The following is an entry in ClinVar:

NM_000455.5(STK11):c.952G>A (p.Ala318Thr)

Gene: STK11 (serine/threonine kinase 11; plus strand). Cytogenetic location: 19p13.3.
Variant type: single nucleotide variant.
Coding change: c.952G>A on transcript NM_000455.5 (MANE Select); coding-DNA position 952, G replaced by A.
Protein change: p.Ala318Thr; replaces alanine 318 with threonine.
Molecular consequence: missense variant.
Genome position (GRCh38, 1-based): chr19:1,223,016, G>A. VCF-style: chr19-1223016-G-A. GRCh37 (hg19) VCF-style: chr19-1223015-G-A.
Other names: short protein forms A318T.
Identifiers: ClinVar variation 403773 (VCV000403773.7), dbSNP rs587781966, ClinGen allele CA16616236.

ClinVar aggregate classification (germline): Conflicting classifications of pathogenicity. Review status: criteria provided, conflicting classifications (1 of 4 stars). 2 submissions from 2 submitters: Uncertain significance (1); Likely benign (1). Last evaluated 2025-08-01.

Conditions:
Hereditary cancer-predisposing syndrome. Also called: Tumor predisposition; Neoplastic Syndromes, Hereditary; Hereditary Cancer Syndrome; Hereditary neoplastic syndrome. Identifiers: Orphanet 140162, MedGen C0027672, MeSH D009386, MONDO:0015356.
Peutz-Jeghers syndrome (PJS). Also called: Peutz-Jeghers polyposis; Periorificial lentiginosis syndrome; POLYPOSIS, HAMARTOMATOUS INTESTINAL; POLYPS-AND-SPOTS SYNDROME. Identifiers: Orphanet 2869, MedGen C0031269, MeSH D010580, MONDO:0008280, OMIM 175200.

Submissions (2):

Ambry Genetics
Classification: Likely benign for Hereditary cancer-predisposing syndrome. Last evaluated: 2025-08-01. Review status: criteria provided, single submitter. Criteria: Ambry Variant Classification Scheme 2023. Collection method: clinical testing. Allele origin: germline.

Labcorp Genetics (formerly Invitae), Labcorp
Classification: Uncertain significance for Peutz-Jeghers syndrome. Last evaluated: 2022-11-10. Review status: criteria provided, single submitter. Criteria: Invitae Variant Classification Sherloc (09022015). Collection method: clinical testing. Allele origin: germline.
Comment: In summary, the available evidence is currently insufficient to determine the role of this variant in disease. Therefore, it has been classified as a Variant of Uncertain Significance. Advanced modeling of protein sequence and biophysical properties (such as structural, functional, and spatial information, amino acid conservation, physicochemical variation, residue mobility, and thermodynamic stability) performed at Invitae indicates that this missense variant is not expected to disrupt STK11 protein function. ClinVar contains an entry for this variant (Variation ID: 403773). This variant has not been reported in the literature in individuals affected with STK11-related conditions. This variant is not present in population databases (gnomAD no frequency). This sequence change replaces alanine, which is neutral and non-polar, with threonine, which is neutral and polar, at codon 318 of the STK11 protein (p.Ala318Thr).